The following is an entry in ClinVar:

ClinVar aggregate classification (germline): Pathogenic. Review status: criteria provided, single submitter (1 of 4 stars). 2 submissions from 2 submitters: Pathogenic (1). 1 of the submissions does not count toward it. Last evaluated 2024-10-04.

Conditions:
Leukocyte adhesion deficiency. Identifiers: Orphanet 2968, MedGen C0272187, MONDO:0017570.
Leukocyte adhesion deficiency 3. Also called: Leukocyte adhesion deficiency, type III; INTEGRIN ACTIVATION DEFICIENCY DISEASE; LEUKOCYTE ADHESION DEFICIENCY 1 VARIANT. Identifiers: Orphanet 2968, Orphanet 99844, MedGen C2748536, MONDO:0013016, OMIM 612840.

Submissions (2):

Dubai Health Genomic Medicine Center, Dubai Health
Classification: Pathogenic for Leukocyte adhesion deficiency. Last evaluated: 2024-10-04. Review status: criteria provided, single submitter. Criteria: ACMG Guidelines, 2015. Collection method: research. Allele origin: germline. Affected: yes.
Comment: PVS1,PS3,PM2

OMIM
Classification: Pathogenic for LEUKOCYTE ADHESION DEFICIENCY, TYPE III. Last evaluated: 2009-03-01. Review status: no assertion criteria provided. Collection method: literature only. Allele origin: germline. Not counted in ClinVar's aggregate classification.

Literature cited by the submitters: PubMed 19234460 (cited by OMIM).

NM_031471.6(FERMT3):c.48G>A (p.Trp16Ter)

Gene: FERMT3 (FERM domain containing kindlin 3; plus strand). Cytogenetic location: 11q13.1.
Variant type: single nucleotide variant.
Coding change: c.48G>A on transcript NM_031471.6 (MANE Select); coding-DNA position 48, G replaced by A.
Protein change: p.Trp16Ter; replaces tryptophan 16 with a stop codon.
Molecular consequence: nonsense.
Genome position (GRCh38, 1-based): chr11:64,207,412, G>A. VCF-style: chr11-64207412-G-A. GRCh37 (hg19) VCF-style: chr11-63974884-G-A.
Other names: c.48G>A, p.Trp16Ter (NM_001382361.1, NM_001382362.1, NM_001382448.1 and 1 more transcripts); short protein forms W16*.
Identifiers: ClinVar variation 2709 (VCV000002709.3), dbSNP rs121918296, ClinGen allele CA115698.